The following is an entry in ClinVar:

ClinVar aggregate classification (germline): Uncertain significance (1 of 4 stars; one submission).

Allele frequency attached by ClinVar (database versions not stated): ExAC 0.00002; gnomAD exomes 0.00002; gnomAD 0.00003; TOPMed 0.00003.
gnomAD v4.1: 29 of 1,559,376 alleles (0.0019%); highest among the groups gnomAD compares: African/African-American, 0.0069%; no homozygotes.

Submission:

Labcorp Genetics (formerly Invitae), Labcorp
Classification: Uncertain significance. Last evaluated: 2024-07-01. Review status: criteria provided, single submitter. Criteria: Invitae Variant Classification Sherloc (09022015). Collection method: clinical testing. Allele origin: germline.
Comment: This sequence change replaces proline, which is neutral and non-polar, with serine, which is neutral and polar, at codon 315 of the EPRS protein (p.Pro315Ser). This variant is present in population databases (rs761491680, gnomAD 0.01%). This variant has not been reported in the literature in individuals affected with EPRS-related conditions. ClinVar contains an entry for this variant (Variation ID: 1899306). Algorithms developed to predict the effect of missense changes on protein structure and function output the following: SIFT: "Not Available"; PolyPhen-2: "Benign"; Align-GVGD: "Not Available". The serine amino acid residue is found in multiple mammalian species, which suggests that this missense change does not adversely affect protein function. In summary, the available evidence is currently insufficient to determine the role of this variant in disease. Therefore, it has been classified as a Variant of Uncertain Significance.

NM_004446.3(EPRS1):c.943C>T (p.Pro315Ser)

Gene: EPRS1 (glutamyl-prolyl-tRNA synthetase 1; minus strand). Cytogenetic location: 1q41.
Variant type: single nucleotide variant.
Coding change: c.943C>T on transcript NM_004446.3 (MANE Select); coding-DNA position 943, C replaced by T.
Protein change: p.Pro315Ser; replaces proline 315 with serine.
Molecular consequence: missense variant.
Genome position (GRCh38, 1-based): chr1:220,024,264, G>A on the plus strand (C>T on the coding strand, the complement: EPRS1 is on the minus strand). VCF-style: chr1-220024264-G-A. GRCh37 (hg19) VCF-style: chr1-220197606-G-A.
Other names: short protein forms P315S.
Identifiers: ClinVar variation 1899306 (VCV001899306.5), dbSNP rs761491680, ClinGen allele CA1400422.